The following is an entry in ClinVar:

NM_024408.4(NOTCH2):c.3116C>T (p.Thr1039Met)

Gene: NOTCH2 (notch receptor 2; minus strand). Cytogenetic location: 1p12.
Variant type: single nucleotide variant.
Coding change: c.3116C>T on transcript NM_024408.4 (MANE Select); coding-DNA position 3116, C replaced by T.
Protein change: p.Thr1039Met; replaces threonine 1039 with methionine.
Molecular consequence: missense variant.
Genome position (GRCh38, 1-based): chr1:119,940,622, G>A on the plus strand (C>T on the coding strand, the complement: NOTCH2 is on the minus strand). VCF-style: chr1-119940622-G-A. GRCh37 (hg19) VCF-style: chr1-120483245-G-A.
Other names: c.3116C>T, p.Thr1039Met (NM_001200001.2); short protein forms T1039M.
Identifiers: ClinVar variation 2635928 (VCV002635928.5), dbSNP rs61755044, ClinGen allele CA1040142.

ClinVar aggregate classification (germline): Uncertain significance. Review status: criteria provided, multiple submitters, no conflicts (2 of 4 stars). 3 submissions from 3 submitters: Uncertain significance (3). Last evaluated 2024-11-14.
ClinVar aggregate classification (somatic clinical impact): Tier II - Potential (1 of 4 stars; one submission).

Conditions:
NOTCH2-related disorder. Also called: NOTCH2-related condition.
Hajdu-Cheney syndrome (HJCYS). Also called: SERPENTINE FIBULA-POLYCYSTIC KIDNEY SYNDROME; Acroosteolysis dominant type; ACROOSTEOLYSIS WITH OSTEOPOROSIS AND CHANGES IN SKULL AND MANDIBLE. Identifiers: Orphanet 955, MedGen C0917715, MONDO:0007057, OMIM 102500.
Signet ring cell carcinoma. Identifiers: MedGen C0206696, MONDO:0005092.

Allele frequency attached by ClinVar (database versions not stated): gnomAD exomes 0.00001; ExAC 0.00002; gnomAD 0.00003; TOPMed 0.00003; 1000 Genomes Project 30x 0.00016; 1000 Genomes Project 0.00020.
gnomAD v4.1: 16 of 1,614,034 alleles (0.00099%); highest among the groups gnomAD compares: East Asian, 0.0089%; no homozygotes.

Submissions (4):

Labcorp Genetics (formerly Invitae), Labcorp
Classification: Uncertain significance for Hajdu-Cheney syndrome. Last evaluated: 2024-11-14. Review status: criteria provided, single submitter. Criteria: Invitae Variant Classification Sherloc (09022015). Collection method: clinical testing. Allele origin: germline.
Comment: This sequence change replaces threonine, which is neutral and polar, with methionine, which is neutral and non-polar, at codon 1039 of the NOTCH2 protein (p.Thr1039Met). This variant is present in population databases (rs61755044, gnomAD 0.01%). This variant has not been reported in the literature in individuals affected with NOTCH2-related conditions. ClinVar contains an entry for this variant (Variation ID: 2635928). Invitae Evidence Modeling of protein sequence and biophysical properties (such as structural, functional, and spatial information, amino acid conservation, physicochemical variation, residue mobility, and thermodynamic stability) indicates that this missense variant is not expected to disrupt NOTCH2 protein function with a negative predictive value of 80%. In summary, the available evidence is currently insufficient to determine the role of this variant in disease. Therefore, it has been classified as a Variant of Uncertain Significance.

Blueprint Genetics
Classification: Uncertain significance. Last evaluated: 2024-03-11. Review status: criteria provided, single submitter. Criteria: ACMG Guidelines, 2015. Collection method: clinical testing. Allele origin: germline.

PreventionGenetics, part of Exact Sciences
Classification: Uncertain significance for NOTCH2-related condition. Last evaluated: 2023-07-28. Review status: criteria provided, single submitter. Criteria: ACMG Guidelines, 2015. Collection method: clinical testing. Allele origin: germline.
Comment: The NOTCH2 c.3116C>T variant is predicted to result in the amino acid substitution p.Thr1039Met. To our knowledge, this variant has not been reported in the literature. This variant is reported in 0.011% of alleles in individuals of East Asian descent in gnomAD. Although we suspect that this variant may be benign, at this time, the clinical significance of this variant is uncertain due to the absence of conclusive functional and genetic evidence.

Institute for Genomic Medicine (IGM) Clinical Laboratory, Nationwide Children's Hospital
Classification: Tier II - Potential for Signet ring cell carcinoma. Assertion type: diagnostic. Clinical significance: supports diagnosis. Last evaluated: 2023-03-03. Review status: criteria provided, single submitter. Criteria: AMP/ASCO/CAP Guidelines, 2017. Collection method: clinical testing. Allele origin: somatic. Affected: yes.
Comment: Variant has Tier II (potential) clinical significance as a diagnostic inclusion criterion in signet ring cell carcinoma, based on the following evidence: 1) Documented in one or more cancer databases (e.g., St. Jude Pecan, COSMIC, CIViC, OncoKB). 2) Not observed at significant frequency within general population databases or cancer or tumor-specific databases. 3) Assists in diagnosis alone or along with other biomarkers based on small studies or few case reports (Evidence Level D; PMIDs: 29844865, 22891276, 28522570).

Literature cited by the submitters: PubMed 29844865 (cited by Institute for Genomic Medicine (IGM) Clinical Laboratory, Nationwide Children's Hospital); PubMed 22891276 (cited by Institute for Genomic Medicine (IGM) Clinical Laboratory, Nationwide Children's Hospital); PubMed 28522570 (cited by Institute for Genomic Medicine (IGM) Clinical Laboratory, Nationwide Children's Hospital).